The following is an entry in ClinVar:

ClinVar aggregate classification (germline): Likely benign (1 of 4 stars; one submission).

Conditions:
FGFR2-related disorder. Identifiers: MedGen CN380096.

Submission:

PreventionGenetics, part of Exact Sciences
Classification: Likely benign for FGFR2-related condition. Last evaluated: 2026-08-10. Review status: criteria provided, single submitter. Criteria: ACMG Guidelines, 2015. Collection method: clinical testing. Allele origin: germline.
Comment: This variant is classified as likely benign based on ACMG/AMP sequence variant interpretation guidelines (Richards et al. 2015 PMID: 25741868, with internal and published modifications).

NM_000141.5(FGFR2):c.1131G>A (p.Glu377=)

Gene: FGFR2 (fibroblast growth factor receptor 2; minus strand). Cytogenetic location: 10q26.13.
Variant type: single nucleotide variant.
Coding change: c.1131G>A on transcript NM_000141.5 (MANE Select); coding-DNA position 1131, G replaced by A.
Protein change: p.Glu377=; no amino-acid change (glutamic acid 377 retained).
Molecular consequence: synonymous variant. On other transcripts: non-coding transcript variant (1), intron variant (1).
Genome position (GRCh38, 1-based): chr10:121,515,273, C>T on the plus strand (G>A on the coding strand, the complement: FGFR2 is on the minus strand). VCF-style: chr10-121515273-C-T. GRCh37 (hg19) VCF-style: chr10-123274787-C-T.
Other names: c.1134G>A, p.Glu378= (NM_001144913.1, NM_001441087.1, NM_022970.4); c.795G>A, p.Glu265= (NM_001144914.1); c.864G>A, p.Glu288= (NM_001144915.2, NM_001441089.1, NM_023029.3); c.786G>A, p.Glu262= (NM_001144916.2, NM_001144918.2, NM_001441090.1 and 1 more transcripts); c.867G>A, p.Glu289= (NM_001144919.2, NM_001441088.1); c.447G>A, p.Glu149= (NM_001320654.2); c.1131G>A, p.Glu377= (NM_001320658.2); c.939+4706G>A (NM_001144917.2).
Identifiers: ClinVar variation 4982185 (VCV004982185.1).